The following is an entry in ClinVar:

ClinVar aggregate classification (germline): Pathogenic. Review status: criteria provided, multiple submitters, no conflicts (2 of 4 stars). 2 submissions from 2 submitters: Pathogenic (2). Last evaluated 2025-07-13.

Conditions:
Epilepsy, familial focal, with variable foci 3 (FFEVF3). Identifiers: MedGen C4310708, MONDO:0014925, OMIM 617118.

Submissions (2):

Labcorp Genetics (formerly Invitae), Labcorp
Classification: Pathogenic for Epilepsy, familial focal, with variable foci 3. Last evaluated: 2025-07-13. Review status: criteria provided, single submitter. Criteria: Invitae Variant Classification Sherloc (09022015). Collection method: clinical testing. Allele origin: germline.
Comment: This sequence change affects a donor splice site in intron 4 of the NPRL3 gene. It is expected to disrupt RNA splicing. Variants that disrupt the donor or acceptor splice site typically lead to a loss of protein function (PMID: 16199547), and loss-of-function variants in NPRL3 are known to be pathogenic (PMID: 26285051, 26505888). This variant is not present in population databases (gnomAD no frequency). Disruption of this splice site has been observed in individuals with clinical features of NPRL3-related conditions (PMID: 37812946; internal data). ClinVar contains an entry for this variant (Variation ID: 3778744). Algorithms developed to predict the effect of sequence changes on RNA splicing suggest that this variant may disrupt the consensus splice site. For these reasons, this variant has been classified as Pathogenic.

Institute of Human Genetics, University of Leipzig Medical Center
Classification: Pathogenic for Epilepsy, familial focal, with variable foci 3. Last evaluated: 2025-04-07. Review status: criteria provided, single submitter. Criteria: ACMG Guidelines, 2015. Collection method: clinical testing. Allele origin: unknown. Inheritance: Autosomal dominant inheritance. Affected: yes.
Comment: Criteria applied: PVS1,PM2_MOD

Literature cited by the submitters: PubMed 16199547 (cited by Labcorp Genetics (formerly Invitae), Labcorp); PubMed 26285051 (cited by Labcorp Genetics (formerly Invitae), Labcorp); PubMed 26505888 (cited by Labcorp Genetics (formerly Invitae), Labcorp); PubMed 37812946 (cited by Labcorp Genetics (formerly Invitae), Labcorp).

NM_001077350.3(NPRL3):c.318+1G>T

Genes: HBA-LCR (alpha-globin locus control region; plus strand), NPRL3 (NPR3 like, GATOR1 complex subunit; minus strand). Cytogenetic location: 16p13.3.
Variant type: single nucleotide variant.
Coding change: c.318+1G>T on transcript NM_001077350.3 (MANE Select); the canonical splice donor site of the intron after coding-DNA position 318, G replaced by T.
Molecular consequence: splice donor variant. On other transcripts: intron variant (1).
Genome position (GRCh38, 1-based): chr16:119,125, C>A on the plus strand (G>T on the coding strand, the complement: NPRL3 is on the minus strand). VCF-style: chr16-119125-C-A. GRCh37 (hg19) VCF-style: chr16-169124-C-A.
Other names: c.84+1G>T (NM_001243247.2); c.318+1G>T (NM_001243248.2, NM_001243249.2); c.-144-6350G>T (NM_001039476.3).
Identifiers: ClinVar variation 3778744 (VCV003778744.2).